The following is an entry in ClinVar:

NM_080647.1(TBX1):c.3G>T (p.Met1Ile)

Gene: TBX1 (T-box transcription factor 1; plus strand). Cytogenetic location: 22q11.21.
Variant type: single nucleotide variant.
Coding change: c.3G>T on transcript NM_080647.1; coding-DNA position 3, G replaced by T.
Protein change: p.Met1Ile; changes the start codon (methionine 1).
Molecular consequence: missense variant, initiator codon variant.
Genome position (GRCh38, 1-based): chr22:19,759,646, G>T. VCF-style: chr22-19759646-G-T. GRCh37 (hg19) VCF-style: chr22-19747169-G-T.
Other names: c.3G>T, p.Met1Ile (NM_005992.1, NM_080646.2); short protein forms M1I.
Identifiers: ClinVar variation 4771105 (VCV004771105.1).

ClinVar aggregate classification (germline): Uncertain significance (1 of 4 stars; one submission).

Conditions:
DiGeorge syndrome. Also called: THIRD AND FOURTH PHARYNGEAL POUCH SYNDROME; Catch22. Identifiers: Orphanet 567, MedGen C0012236, MONDO:0008564, OMIM 188400.

Submission:

Labcorp Genetics (formerly Invitae), Labcorp
Classification: Uncertain significance for DiGeorge syndrome. Last evaluated: 2025-07-22. Review status: criteria provided, single submitter. Criteria: Invitae Variant Classification Sherloc (09022015). Collection method: clinical testing. Allele origin: germline.
Comment: This sequence change affects the initiator codon of the TBX1 mRNA. This change may impact translation initiation or efficiency. The next in-frame methionine is located at codon 10. This variant is not present in population databases (gnomAD no frequency). This variant has not been reported in the literature in individuals affected with TBX1-related conditions. Experimental studies and prediction algorithms are not available or were not evaluated, and the functional significance of this variant is currently unknown. In summary, the available evidence is currently insufficient to determine the role of this variant in disease. Therefore, it has been classified as a Variant of Uncertain Significance.